The following is an entry in ClinVar:

NM_020778.5(ALPK3):c.1718C>T (p.Ser573Phe)

Gene: ALPK3 (alpha kinase 3; plus strand). Cytogenetic location: 15q25.3.
Variant type: single nucleotide variant.
Coding change: c.1718C>T on transcript NM_020778.5 (MANE Select); coding-DNA position 1718, C replaced by T.
Protein change: p.Ser573Phe; replaces serine 573 with phenylalanine.
Molecular consequence: missense variant.
Genome position (GRCh38, 1-based): chr15:84,856,456, C>T. VCF-style: chr15-84856456-C-T. GRCh37 (hg19) VCF-style: chr15-85399687-C-T.
Other names: c.2324C>T (NM_020778.4); short protein forms S573F.
Identifiers: ClinVar variation 3680716 (VCV003680716.3).
Genomic context (GRCh38, chr15:84,856,456, plus strand): 5'-TGGAATGCCAGACAACCACGGCTCCTACCATGTCGGCCAGCAGCAGCTCTGATGTAGCCT[C>T]CATTGGGGTTAGCACTTCCGGAAGTCAAGGTATCATTGAACCCATGGATATGGAAACCCA-3'
Protein context (NP_065829.4, residues 563-583): MSASSSSDVA[Ser573Phe]IGVSTSGSQG

ClinVar aggregate classification (germline): Uncertain significance. Review status: criteria provided, multiple submitters, no conflicts (2 of 4 stars). 2 submissions from 2 submitters: Uncertain significance (2). Last evaluated 2025-05-14.

Conditions:
Cardiovascular phenotype. Identifiers: MedGen CN230736.

Submissions (2):

Ambry Genetics
Classification: Uncertain significance for Cardiovascular phenotype. Last evaluated: 2025-05-14. Review status: criteria provided, single submitter. Criteria: Ambry Variant Classification Scheme 2023. Collection method: clinical testing. Allele origin: germline.
Comment: The p.S775F variant (also known as c.2324C>T), located in coding exon 6 of the ALPK3 gene, results from a C to T substitution at nucleotide position 2324. The serine at codon 775 is replaced by phenylalanine, an amino acid with highly dissimilar properties. This amino acid position is conserved. In addition, this alteration is predicted to be tolerated by in silico analysis. Based on the available evidence, the clinical significance of this variant remains unclear.

Labcorp Genetics (formerly Invitae), Labcorp
Classification: Uncertain significance. Last evaluated: 2025-01-13. Review status: criteria provided, single submitter. Criteria: Invitae Variant Classification Sherloc (09022015). Collection method: clinical testing. Allele origin: germline.
Comment: This sequence change replaces serine, which is neutral and polar, with phenylalanine, which is neutral and non-polar, at codon 775 of the ALPK3 protein (p.Ser775Phe). This variant is present in population databases (rs757351258, gnomAD 0.0009%). This variant has not been reported in the literature in individuals affected with ALPK3-related conditions. Invitae Evidence Modeling of protein sequence and biophysical properties (such as structural, functional, and spatial information, amino acid conservation, physicochemical variation, residue mobility, and thermodynamic stability) indicates that this missense variant is expected to disrupt ALPK3 protein function with a positive predictive value of 80%. In summary, the available evidence is currently insufficient to determine the role of this variant in disease. Therefore, it has been classified as a Variant of Uncertain Significance.